The following is an entry in ClinVar:

ClinVar aggregate classification (germline): Uncertain significance (1 of 4 stars; one submission).

gnomAD v4.1: 1 of 1,612,470 alleles (0.000062%); no homozygotes.

Submissions (2):

GeneDx
Classification: Uncertain significance. Last evaluated: 2020-06-09. Review status: criteria provided, single submitter. Criteria: GeneDx Variant Classification Process June 2021. Collection method: clinical testing. Allele origin: germline. Affected: yes.
Comment: Not observed in large population cohorts (Lek et al., 2016); Has not been previously published as pathogenic or benign to our knowledge; In silico analysis, which includes splice predictors and evolutionary conservation, suggests this variant may impact gene splicing. In the absence of RNA/functional studies, the actual effect of this sequence change is unknown.

Dr. Peter K. Rogan Lab, Western University
No classification provided (evidence only). Condition: Malignant tumor of urinary bladder. Review status: no classification provided. Collection method: in vitro. Allele origin: not applicable. Functional consequence: retained intron. Not counted in ClinVar's aggregate classification.

NM_007289.4(MME):c.-10-1G>T

Gene: MME (membrane metalloendopeptidase; plus strand). Cytogenetic location: 3q25.2.
Variant type: single nucleotide variant.
Coding change: c.-10-1G>T on transcript NM_007289.4 (MANE Select); the canonical splice acceptor site of the intron before 10 bases upstream of the start codon, G replaced by T.
Molecular consequence: splice acceptor variant.
Genome position (GRCh38, 1-based): chr3:155,084,157, G>T. VCF-style: chr3-155084157-G-T. GRCh37 (hg19) VCF-style: chr3-154801946-G-T.
Other names: NC_000003.11:g.154801946G>T; c.-10-1G>T (NM_001354642.2, NM_000902.5, NM_007287.4 and 3 more transcripts).
Identifiers: ClinVar variation 426601 (VCV000426601.4), dbSNP rs1085307704, ClinGen allele CA645293862.
Genomic context (GRCh38, chr3:155,084,157, plus strand): 5'-ATTTGGACATTTTCTTTTTTATTTATTTGTTTTTCATTATTAGTATTTTCATTTTTTGCA[G>T]ATTTTAGGTGATGGGCAAGTCAGAAAGTCAGATGGATATAACTGATATCAACACTCCAAA-3'